The following is an entry in ClinVar:

ClinVar aggregate classification (germline): Conflicting classifications of pathogenicity. Review status: criteria provided, conflicting classifications (1 of 4 stars). 3 submissions from 2 submitters: Uncertain significance (1); Likely benign (2). Last evaluated 2025-04-02.

Conditions:
Autosomal recessive Robinow syndrome (RRS1). Also called: ROBINOW SYNDROME, AUTOSOMAL RECESSIVE 1; COSTOVERTEBRAL SEGMENTATION DEFECT WITH MESOMELIA; COVESDEM SYNDROME; ROR2-Related Robinow Syndrome. Identifiers: Orphanet 1507, Orphanet 97360, MedGen C5399974, MONDO:0009999, OMIM 268310.
Brachydactyly type B1 (BDB1). Identifiers: Orphanet 572385, Orphanet 93383, MedGen C1862112, MONDO:0007220, OMIM 113000.

Allele frequency attached by ClinVar (database versions not stated): ExAC 0.00004; gnomAD exomes 0.00005; gnomAD 0.00007 and 0.00008; TOPMed 0.00010.
gnomAD v4.1: 103 of 1,613,914 alleles (0.0064%); highest among the groups gnomAD compares: Middle Eastern, 0.049%; no homozygotes.

Submissions (3):

Labcorp Genetics (formerly Invitae), Labcorp
Classification: Likely benign. Last evaluated: 2025-04-02. Review status: criteria provided, single submitter. Criteria: Invitae Variant Classification Sherloc (09022015). Collection method: clinical testing. Allele origin: germline.

Illumina Laboratory Services, Illumina
Classification: Uncertain significance for Autosomal recessive Robinow syndrome. Last evaluated: 2018-01-13. Review status: criteria provided, single submitter. Criteria: ICSL Variant Classification Criteria 13 December 2019. Collection method: clinical testing. Allele origin: germline.

Illumina Laboratory Services, Illumina
Classification: Likely benign for Brachydactyly type B1. Last evaluated: 2018-01-13. Review status: criteria provided, single submitter. Criteria: ICSL Variant Classification Criteria 13 December 2019. Collection method: clinical testing. Allele origin: germline.
Comment: This variant was observed in the ICSL laboratory as part of a predisposition screen in an ostensibly healthy population. It had not been previously curated by ICSL or reported in the Human Gene Mutation Database (HGMD: prior to June 1st, 2018), and was therefore a candidate for classification through an automated scoring system. Utilizing variant allele frequency, disease prevalence and penetrance estimates, and inheritance mode, an automated score was calculated to assess if this variant is too frequent to cause the disease. Based on the score and internal cut-off values, a variant classified as likely benign is not then subjected to further curation. The score for this variant resulted in a classification of likely benign for this disease.

NM_004560.4(ROR2):c.1416G>A (p.Ala472=)

Gene: ROR2 (receptor tyrosine kinase like orphan receptor 2; minus strand). Cytogenetic location: 9q22.31.
Variant type: single nucleotide variant.
Coding change: c.1416G>A on transcript NM_004560.4 (MANE Select); coding-DNA position 1416, G replaced by A.
Protein change: p.Ala472=; no amino-acid change (alanine 472 retained).
Molecular consequence: synonymous variant.
Genome position (GRCh38, 1-based): chr9:91,725,078, C>T on the plus strand (G>A on the coding strand, the complement: ROR2 is on the minus strand). VCF-style: chr9-91725078-C-T. GRCh37 (hg19) VCF-style: chr9-94487360-C-T.
Identifiers: ClinVar variation 367506 (VCV000367506.13), dbSNP rs201064212, ClinGen allele CA5120688.